The following is an entry in ClinVar:

ClinVar aggregate classification (germline): Uncertain significance (1 of 4 stars; one submission).

Conditions:
LAMA2-related muscular dystrophy (LAMA2-RD). Also called: Laminin alpha 2-related dystrophy. Identifiers: MedGen C5679788, MONDO:0100228.

Allele frequency attached by ClinVar (database versions not stated): gnomAD exomes below 0.00001; TOPMed below 0.00001; ExAC 0.00001; gnomAD 0.00001.
gnomAD v4.1: 2 of 1,457,168 alleles (0.00014%); highest among the groups gnomAD compares: Non-Finnish European, 0.00019%; no homozygotes.

Submission:

Labcorp Genetics (formerly Invitae), Labcorp
Classification: Uncertain significance for LAMA2-related muscular dystrophy. Last evaluated: 2022-08-16. Review status: criteria provided, single submitter. Criteria: Invitae Variant Classification Sherloc (09022015). Collection method: clinical testing. Allele origin: germline.
Comment: This sequence change falls in intron 3 of the LAMA2 gene. It does not directly change the encoded amino acid sequence of the LAMA2 protein. It affects a nucleotide within the consensus splice site. This variant is present in population databases (rs760986878, gnomAD 0.0009%). This variant has not been reported in the literature in individuals affected with LAMA2-related conditions. ClinVar contains an entry for this variant (Variation ID: 645142). Variants that disrupt the consensus splice site are a relatively common cause of aberrant splicing (PMID: 17576681, 9536098). Algorithms developed to predict the effect of sequence changes on RNA splicing suggest that this variant is not likely to affect RNA splicing. In summary, the available evidence is currently insufficient to determine the role of this variant in disease. Therefore, it has been classified as a Variant of Uncertain Significance.

Literature cited by the submitters: PubMed 17576681; PubMed 9536098.

NM_000426.4(LAMA2):c.396+5A>C

Gene: LAMA2 (laminin subunit alpha 2; plus strand). Cytogenetic location: 6q22.33.
Variant type: single nucleotide variant.
Coding change: c.396+5A>C on transcript NM_000426.4 (MANE Select); 5 bases into the intron after coding-DNA position 396, A replaced by C.
Molecular consequence: intron variant.
Genome position (GRCh38, 1-based): chr6:129,059,901, A>C. VCF-style: chr6-129059901-A-C. GRCh37 (hg19) VCF-style: chr6-129381046-A-C.
Other names: c.396+5A>C (NM_001079823.2).
Identifiers: ClinVar variation 645142 (VCV000645142.11), dbSNP rs760986878, ClinGen allele CA3992311.